The following is an entry in ClinVar:

ClinVar aggregate classification (germline): Benign/Likely benign. Review status: criteria provided, multiple submitters, no conflicts (2 of 4 stars). 4 submissions from 4 submitters: Benign (2); Likely benign (1). 1 of the submissions does not count toward it. Last evaluated 2025-08-18.

Conditions:
OGDHL-related disorder. Also called: OGDHL-related condition.

Allele frequency attached by ClinVar (database versions not stated): gnomAD 0.00531 and 0.00585; TOPMed 0.00598; ESP Exome Variant Server 0.00707; gnomAD exomes 0.00055 and 0.00154; ExAC 0.00187; 1000 Genomes Project 30x 0.00375; 1000 Genomes Project 0.00419.
gnomAD v4.1: 1,632 of 1,612,892 alleles (0.1%); highest among the groups gnomAD compares: African/African-American, 1.8%; 13 homozygotes.

Submissions (4):

Genomic Medicine Center of Excellence, King Faisal Specialist Hospital and Research Centre
Classification: Likely benign. Last evaluated: 2025-08-18. Review status: criteria provided, single submitter. Criteria: ACMG Guidelines, 2015. Collection method: clinical testing. Allele origin: germline.

Labcorp Genetics (formerly Invitae), Labcorp
Classification: Benign. Last evaluated: 2019-12-31. Review status: criteria provided, single submitter. Criteria: Invitae Variant Classification Sherloc (09022015). Collection method: clinical testing. Allele origin: germline.

Breakthrough Genomics
Classification: Benign. Review status: criteria provided, single submitter. Criteria: ACMG Guidelines, 2015. Collection method: not provided. Allele origin: germline. Inheritance: Autosomal recessive inheritance. Affected: yes.

PreventionGenetics, part of Exact Sciences
Classification: Likely benign for OGDHL-related condition. Last evaluated: 2020-02-19. Review status: no assertion criteria provided. Collection method: clinical testing. Allele origin: germline. Not counted in ClinVar's aggregate classification.
Comment: This variant is classified as likely benign based on ACMG/AMP sequence variant interpretation guidelines (Richards et al. 2015 PMID: 25741868, with internal and published modifications).

NM_018245.3(OGDHL):c.1868C>G (p.Ser623Cys)

Gene: OGDHL (oxoglutarate dehydrogenase L; minus strand). Cytogenetic location: 10q11.23.
Variant type: single nucleotide variant.
Coding change: c.1868C>G on transcript NM_018245.3 (MANE Select); coding-DNA position 1868, C replaced by G.
Protein change: p.Ser623Cys; replaces serine 623 with cysteine.
Molecular consequence: missense variant. On other transcripts: non-coding transcript variant (5).
Genome position (GRCh38, 1-based): chr10:49,742,972, G>C on the plus strand (C>G on the coding strand, the complement: OGDHL is on the minus strand). VCF-style: chr10-49742972-G-C. GRCh37 (hg19) VCF-style: chr10-50951018-G-C.
Other names: c.1697C>G, p.Ser566Cys (NM_001143996.2, NM_001347820.1); c.1241C>G, p.Ser414Cys (NM_001143997.2, NM_001347821.2, NM_001347822.1); c.1868C>G, p.Ser623Cys (NM_001347819.1); c.1688C>G, p.Ser563Cys (NM_001347823.1, NM_001347824.2); c.1061C>G, p.Ser354Cys (NM_001347825.2); c.671C>G, p.Ser224Cys (NM_001347826.1); c.1868C>G (NM_018245.2); short protein forms S224C, S414C, S563C, S566C, S623C, S354C.
Identifiers: ClinVar variation 722657 (VCV000722657.8), dbSNP rs34877195, ClinGen allele CA5498385.